The following is an entry in ClinVar:

ClinVar aggregate classification (germline): Uncertain significance (1 of 4 stars; one submission).

Conditions:
Familial hypocalciuric hypercalcemia (FHH). Also called: Familial benign hypercalcemia. Identifiers: Orphanet 405, MedGen C1809471, MONDO:0018458.
Autosomal dominant hypocalcemia 1 (HYPOC1). Also called: HYPOCALCEMIA, FAMILIAL. Identifiers: MedGen C3715128, MONDO:0011013, OMIM 601198.

Submission:

Labcorp Genetics (formerly Invitae), Labcorp
Classification: Uncertain significance for Familial hypocalciuric hypercalcemia; Autosomal dominant hypocalcemia 1. Last evaluated: 2024-04-29. Review status: criteria provided, single submitter. Criteria: Invitae Variant Classification Sherloc (09022015). Collection method: clinical testing. Allele origin: germline.
Comment: This sequence change replaces alanine, which is neutral and non-polar, with valine, which is neutral and non-polar, at codon 295 of the CASR protein (p.Ala295Val). This variant is not present in population databases (gnomAD no frequency). This variant has not been reported in the literature in individuals affected with CASR-related conditions. ClinVar contains an entry for this variant (Variation ID: 2011824). An algorithm developed to predict the effect of missense changes on protein structure and function (PolyPhen-2) suggests that this variant is likely to be disruptive. In summary, the available evidence is currently insufficient to determine the role of this variant in disease. Therefore, it has been classified as a Variant of Uncertain Significance.

NM_000388.4(CASR):c.884C>T (p.Ala295Val)

Gene: CASR (calcium sensing receptor; plus strand). Cytogenetic location: 3q21.1.
Variant type: single nucleotide variant.
Coding change: c.884C>T on transcript NM_000388.4 (MANE Select); coding-DNA position 884, C replaced by T.
Protein change: p.Ala295Val; replaces alanine 295 with valine.
Molecular consequence: missense variant.
Genome position (GRCh38, 1-based): chr3:122,261,919, C>T. VCF-style: chr3-122261919-C-T. GRCh37 (hg19) VCF-style: chr3-121980766-C-T.
Other names: c.884C>T, p.Ala295Val (NM_001178065.2); short protein forms A295V.
Identifiers: ClinVar variation 2011824 (VCV002011824.4), dbSNP rs1559959332, ClinGen allele CA354151559.